The following is an entry in ClinVar:

NM_002317.7(LOX):c.1228T>C (p.Ser410Pro)

Genes: LOX (lysyl oxidase; minus strand), SRFBP1 (serum response factor binding protein 1; plus strand). Cytogenetic location: 5q23.1.
Variant type: single nucleotide variant.
Coding change: c.1228T>C on transcript NM_002317.7 (MANE Select); coding-DNA position 1228, T replaced by C.
Protein change: p.Ser410Pro; replaces serine 410 with proline.
Molecular consequence: missense variant.
Genome position (GRCh38, 1-based): chr5:122,070,072, A>G on the plus strand (T>C on the coding strand, the complement: LOX is on the minus strand). VCF-style: chr5-122070072-A-G. GRCh37 (hg19) VCF-style: chr5-121405767-A-G.
Other names: c.538T>C, p.Ser180Pro (NM_001178102.2); c.337T>C, p.Ser113Pro (NM_001317073.1); short protein forms S113P, S180P, S410P.
Identifiers: ClinVar variation 3653469 (VCV003653469.2).

ClinVar aggregate classification (germline): Uncertain significance (1 of 4 stars; one submission).

Submission:

Labcorp Genetics (formerly Invitae), Labcorp
Classification: Uncertain significance. Last evaluated: 2024-11-27. Review status: criteria provided, single submitter. Criteria: Invitae Variant Classification Sherloc (09022015). Collection method: clinical testing. Allele origin: germline.
Comment: This sequence change replaces serine, which is neutral and polar, with proline, which is neutral and non-polar, at codon 410 of the LOX protein (p.Ser410Pro). This variant is not present in population databases (gnomAD no frequency). This variant has not been reported in the literature in individuals affected with LOX-related conditions. Invitae Evidence Modeling of protein sequence and biophysical properties (such as structural, functional, and spatial information, amino acid conservation, physicochemical variation, residue mobility, and thermodynamic stability) indicates that this missense variant is expected to disrupt LOX protein function with a positive predictive value of 95%. In summary, the available evidence is currently insufficient to determine the role of this variant in disease. Therefore, it has been classified as a Variant of Uncertain Significance.